The following is an entry in ClinVar:

NM_002224.4(ITPR3):c.5741T>C (p.Met1914Thr)

Gene: ITPR3 (inositol 1,4,5-trisphosphate receptor type 3; plus strand). Cytogenetic location: 6p21.31.
Variant type: single nucleotide variant.
Coding change: c.5741T>C on transcript NM_002224.4 (MANE Select); coding-DNA position 5741, T replaced by C.
Protein change: p.Met1914Thr; replaces methionine 1914 with threonine.
Molecular consequence: missense variant.
Genome position (GRCh38, 1-based): chr6:33,686,126, T>C. VCF-style: chr6-33686126-T-C. GRCh37 (hg19) VCF-style: chr6-33653903-T-C.
Other names: short protein forms M1914T.
Identifiers: ClinVar variation 4839532 (VCV004839532.1).

ClinVar aggregate classification (germline): Uncertain significance (1 of 4 stars; one submission).

Submission:

Ambry Genetics
Classification: Uncertain significance. Last evaluated: 2026-01-20. Review status: criteria provided, single submitter. Criteria: Ambry Variant Classification Scheme 2023. Collection method: clinical testing. Allele origin: germline.
Comment: The c.5741T>C (p.M1914T) alteration is located in exon 42 (coding exon 42) of the ITPR3 gene. This alteration results from a T to C substitution at nucleotide position 5741, causing the methionine (M) at amino acid position 1914 to be replaced by a threonine (T). Based on data from gnomAD, the C allele has an overall frequency of <0.001% (1/251388) total alleles studied. The highest observed frequency was 0.003% (1/34582) of Latino alleles. Based on insufficient or conflicting evidence, the clinical significance of this alteration remains unclear.